The following is an entry in ClinVar:

NM_173551.5(ANKS6):c.887T>C (p.Ile296Thr)

Gene: ANKS6 (ankyrin repeat and sterile alpha motif domain containing 6; minus strand). Cytogenetic location: 9q22.33.
Variant type: single nucleotide variant.
Coding change: c.887T>C on transcript NM_173551.5 (MANE Select); coding-DNA position 887, T replaced by C.
Protein change: p.Ile296Thr; replaces isoleucine 296 with threonine.
Molecular consequence: missense variant.
Genome position (GRCh38, 1-based): chr9:98,784,852, A>G on the plus strand (T>C on the coding strand, the complement: ANKS6 is on the minus strand). VCF-style: chr9-98784852-A-G. GRCh37 (hg19) VCF-style: chr9-101547134-A-G.
Other names: short protein forms I296T.
Identifiers: ClinVar variation 2681748 (VCV002681748.2), dbSNP rs2490413224.

ClinVar aggregate classification (germline): Uncertain significance (1 of 4 stars; one submission).

Conditions:
Nephronophthisis 16 (NPHP16). Identifiers: Orphanet 655, MedGen C3809320, MONDO:0014158, OMIM 615382.

Submission:

Precision Medicine Center, Zhengzhou University
Classification: Uncertain significance for Nephronophthisis 16. Last evaluated: 2023-12-01. Review status: criteria provided, single submitter. Criteria: ACMG Guidelines, 2015. Collection method: clinical testing. Allele origin: paternal. Affected: yes.
Comment: PM2_p,PM3,PP3

Literature cited by the submitters: PubMed 30180410.